The following is an entry in ClinVar:

ClinVar aggregate classification (germline): Uncertain significance (1 of 4 stars; one submission).

Conditions:
Ehlers-Danlos syndrome, kyphoscoliotic type 1 (EDSKSCL1). Also called: Ehlers-Danlos syndrome, hydroxylysine-deficient; PLOD1-Related Kyphoscoliotic Ehlers-Danlos Syndrome; EHLERS-DANLOS SYNDROME, OCULAR-SCOLIOTIC TYPE; EHLERS-DANLOS SYNDROME, TYPE VIA. Identifiers: Orphanet 1900, MedGen C0268342, MONDO:0016002, OMIM 225400. Disease mechanism: loss of function.

Submission:

Labcorp Genetics (formerly Invitae), Labcorp
Classification: Uncertain significance for Ehlers-Danlos syndrome, kyphoscoliotic type 1. Last evaluated: 2019-10-02. Review status: criteria provided, single submitter. Criteria: Invitae Variant Classification Sherloc (09022015). Collection method: clinical testing. Allele origin: germline.
Comment: This variant has not been reported in the literature in individuals with PLOD1-related conditions. In summary, the available evidence is currently insufficient to determine the role of this variant in disease. Therefore, it has been classified as a Variant of Uncertain Significance. Experimental studies and prediction algorithms are not available or were not evaluated, and the functional significance of this variant is currently unknown. This variant is not present in population databases (ExAC no frequency). This sequence change results in a frameshift in the PLOD1 gene (p.Val722Serfs*92). While this is not anticipated to result in nonsense mediated decay, it is expected to disrupt the last 6 amino acids of the PLOD1 protein and extend the protein by an additional 86 amino acids.

NM_000302.4(PLOD1):c.2164del (p.Val722fs)

Gene: PLOD1 (procollagen-lysine,2-oxoglutarate 5-dioxygenase 1; plus strand). Cytogenetic location: 1p36.22.
Variant type: Deletion.
Coding change: c.2164del on transcript NM_000302.4 (MANE Select); coding-DNA position 2164, one base deleted (G; older notation c.2164delG).
Protein change: p.Val722fs; shifts the reading frame from valine 722.
Molecular consequence: frameshift variant.
Genome position (GRCh38, 1-based): chr1:11,974,788, G deleted. VCF-style (leftmost placement, unchanged base first): chr1-11974787-AG-A. GRCh37 (hg19) VCF-style: chr1-12034844-AG-A.
Other names: c.2305del, p.Val769fs (NM_001316320.2); short protein forms V722fs, V769fs.
Identifiers: ClinVar variation 963374 (VCV000963374.10), dbSNP rs1645892679, ClinGen allele CA1139655968.
Genomic context (GRCh38, chr1:11,974,787, plus strand): 5'-TGGACGACTCACGCATTACCATGAGGGGCTCCCCACCACCAGGGGCACCCGCTACATCGC[AG>A]TCTCCTTCGTCGATCCCTAATTGGCCAGGCCTGACCCTCTTGGACCTTTCTTCTTTGCCG-3'